The following is an entry in ClinVar:

ClinVar aggregate classification (germline): Uncertain significance (1 of 4 stars; one submission).

Conditions:
Autosomal dominant nonsyndromic hearing loss 1. Also called: DEAFNESS, AUTOSOMAL DOMINANT 1, WITH OR WITHOUT THROMBOCYTOPENIA; KONIGSMARK SYNDROME. Identifiers: Orphanet 90635, MedGen C1852282, MONDO:0007424, OMIM 124900.
Progressive microcephaly-seizures-cortical blindness-developmental delay syndrome. Also called: Seizures, cortical blindness, and microcephaly syndrome. Identifiers: Orphanet 477814, MedGen C5567650, MONDO:0014714, OMIM 616632.

Allele frequency attached by ClinVar (database versions not stated): gnomAD exomes below 0.00001 and 0.00001; ExAC 0.00002; gnomAD 0.00003 and 0.00004; TOPMed 0.00003; 1000 Genomes Project 0.00040; 1000 Genomes Project 30x 0.00047.
gnomAD v4.1: 7 of 1,610,166 alleles (0.00043%); highest among the groups gnomAD compares: African/African-American, 0.0094%; no homozygotes.

Submission:

Labcorp Genetics (formerly Invitae), Labcorp
Classification: Uncertain significance for Progressive microcephaly-seizures-cortical blindness-developmental delay syndrome; Autosomal dominant nonsyndromic hearing loss 1. Last evaluated: 2025-08-25. Review status: criteria provided, single submitter. Criteria: Invitae Variant Classification Sherloc (09022015). Collection method: clinical testing. Allele origin: germline.
Comment: This sequence change replaces serine, which is neutral and polar, with phenylalanine, which is neutral and non-polar, at codon 785 of the DIAPH1 protein (p.Ser785Phe). This variant is present in population databases (rs532205362, gnomAD 0.02%). This variant has not been reported in the literature in individuals affected with DIAPH1-related conditions. ClinVar contains an entry for this variant (Variation ID: 572032). An algorithm developed to predict the effect of missense changes on protein structure and function (PolyPhen-2) suggests that this variant is likely to be disruptive. In summary, the available evidence is currently insufficient to determine the role of this variant in disease. Therefore, it has been classified as a Variant of Uncertain Significance.

NM_005219.5(DIAPH1):c.2354C>T (p.Ser785Phe)

Gene: DIAPH1 (diaphanous related formin 1; minus strand). Cytogenetic location: 5q31.3.
Variant type: single nucleotide variant.
Coding change: c.2354C>T on transcript NM_005219.5 (MANE Select); coding-DNA position 2354, C replaced by T.
Protein change: p.Ser785Phe; replaces serine 785 with phenylalanine.
Molecular consequence: missense variant.
Genome position (GRCh38, 1-based): chr5:141,573,496, G>A on the plus strand (C>T on the coding strand, the complement: DIAPH1 is on the minus strand). VCF-style: chr5-141573496-G-A. GRCh37 (hg19) VCF-style: chr5-140953063-G-A.
Other names: c.2327C>T, p.Ser776Phe (NM_001079812.3); c.2354C>T, p.Ser785Phe (NM_001314007.2); short protein forms S776F, S785F.
Identifiers: ClinVar variation 572032 (VCV000572032.9), dbSNP rs532205362, ClinGen allele CA3479114.